The following is an entry in ClinVar:

ClinVar aggregate classification (germline): Uncertain significance (1 of 4 stars; one submission).

Conditions:
Multiple endocrine neoplasia, type 1 (MEN1). Also called: MEA I; MEN I; WERMER SYNDROME; Endocrine adenomatosis multiple; MEN 1. Identifiers: Orphanet 652, MedGen C0025267, MeSH D018761, MONDO:0007540, OMIM 131100.

Submission:

Labcorp Genetics (formerly Invitae), Labcorp
Classification: Uncertain significance for Multiple endocrine neoplasia, type 1. Last evaluated: 2025-06-04. Review status: criteria provided, single submitter. Criteria: Invitae Variant Classification Sherloc (09022015). Collection method: clinical testing. Allele origin: germline.
Comment: This sequence change replaces threonine, which is neutral and polar, with alanine, which is neutral and non-polar, at codon 346 of the MEN1 protein (p.Thr346Ala). This variant is not present in population databases (gnomAD no frequency). This variant has not been reported in the literature in individuals affected with MEN1-related conditions. ClinVar contains an entry for this variant (Variation ID: 1366604). Invitae Evidence Modeling of protein sequence and biophysical properties (such as structural, functional, and spatial information, amino acid conservation, physicochemical variation, residue mobility, and thermodynamic stability) indicates that this missense variant is not expected to disrupt MEN1 protein function with a negative predictive value of 80%. In summary, the available evidence is currently insufficient to determine the role of this variant in disease. Therefore, it has been classified as a Variant of Uncertain Significance.

NM_001370259.2(MEN1):c.1036A>G (p.Thr346Ala)

Gene: MEN1 (menin 1; minus strand). Cytogenetic location: 11q13.1.
Variant type: single nucleotide variant.
Coding change: c.1036A>G on transcript NM_001370259.2 (MANE Select); coding-DNA position 1036, A replaced by G.
Protein change: p.Thr346Ala; replaces threonine 346 with alanine.
Molecular consequence: missense variant.
Genome position (GRCh38, 1-based): chr11:64,806,245, T>C on the plus strand (A>G on the coding strand, the complement: MEN1 is on the minus strand). VCF-style: chr11-64806245-T-C. GRCh37 (hg19) VCF-style: chr11-64573717-T-C.
Other names: c.1051A>G, p.Thr351Ala (NM_130804.3, NM_000244.4, NM_130800.3 and 3 more transcripts); c.1036A>G, p.Thr346Ala (NM_001370251.2, NM_001370260.2, NM_001370261.2 and 1 more transcripts); c.931A>G, p.Thr311Ala (NM_001370262.2, NM_001370263.2); short protein forms T346A, T351A, T311A.
Identifiers: ClinVar variation 1366604 (VCV001366604.8), dbSNP rs2136117914, ClinGen allele CA381183198.